The following is an entry in ClinVar:

ClinVar aggregate classification (germline): Likely benign. Review status: criteria provided, multiple submitters, no conflicts (2 of 4 stars). 2 submissions from 2 submitters: Likely benign (2). Last evaluated 2022-08-15.

Conditions:
Benign neonatal seizures. Also called: Benign familial neonatal epilepsy; Convulsions benign familial neonatal dominant form; Autosomal dominant form of benign neonatal seizures; Benign familial neonatal seizures; Benign neonatal familial convulsions. Identifiers: Orphanet 1949, MedGen C0220669, MONDO:0016027.

gnomAD v4.1: 1 of 1,284,660 alleles (0.000078%); highest among the groups gnomAD compares: East Asian, 0.0031%; no homozygotes.

Submissions (2):

Labcorp Genetics (formerly Invitae), Labcorp
Classification: Likely benign for Benign neonatal seizures. Last evaluated: 2022-08-15. Review status: criteria provided, single submitter. Criteria: Invitae Variant Classification Sherloc (09022015). Collection method: clinical testing. Allele origin: germline.

GeneDx
Classification: Likely benign. Last evaluated: 2017-03-09. Review status: criteria provided, single submitter. Criteria: GeneDx Variant Classification (06012015). Collection method: clinical testing. Allele origin: germline. Affected: yes.
Comment: This variant is considered likely benign or benign based on one or more of the following criteria: it is a conservative change, it occurs at a poorly conserved position in the protein, it is predicted to be benign by multiple in silico algorithms, and/or has population frequency not consistent with disease.

NM_004519.4(KCNQ3):c.75G>C (p.Ala25=)

Gene: KCNQ3 (potassium voltage-gated channel subfamily Q member 3; minus strand). Cytogenetic location: 8q24.22.
Variant type: single nucleotide variant.
Coding change: c.75G>C on transcript NM_004519.4 (MANE Select); coding-DNA position 75, G replaced by C.
Protein change: p.Ala25=; no amino-acid change (alanine 25 retained).
Molecular consequence: synonymous variant.
Genome position (GRCh38, 1-based): chr8:132,480,458, C>G on the plus strand (G>C on the coding strand, the complement: KCNQ3 is on the minus strand). VCF-style: chr8-132480458-C-G. GRCh37 (hg19) VCF-style: chr8-133492705-C-G.
Identifiers: ClinVar variation 507954 (VCV000507954.5), dbSNP rs1554660829, ClinGen allele CA463072876.